The following is an entry in ClinVar:

NM_002878.4(RAD51D):c.233C>G (p.Ser78Cys)

Genes: RAD51L3-RFFL (RAD51L3-RFFL readthrough; minus strand), RAD51D (RAD51 paralog D; minus strand). Cytogenetic location: 17q12.
Variant type: single nucleotide variant.
Coding change: c.233C>G on transcript NM_002878.4 (MANE Select); coding-DNA position 233, C replaced by G.
Protein change: p.Ser78Cys; replaces serine 78 with cysteine.
Molecular consequence: missense variant. On other transcripts: intron variant (2).
Genome position (GRCh38, 1-based): chr17:35,118,531, G>C on the plus strand (C>G on the coding strand, the complement: RAD51D is on the minus strand). VCF-style: chr17-35118531-G-C. GRCh37 (hg19) VCF-style: chr17-33445550-G-C.
Other names: c.144+580C>G (NM_133629.3, NM_001142571.2); short protein forms S78C.
Identifiers: ClinVar variation 1355953 (VCV001355953.8), dbSNP rs1555570255, ClinGen allele CA399091231.

ClinVar aggregate classification (germline): Uncertain significance (1 of 4 stars; one submission).

Conditions:
Breast-ovarian cancer, familial, susceptibility to, 4. Identifiers: Orphanet 145, MedGen C3280345, MONDO:0013669, OMIM 614291.

Submission:

Labcorp Genetics (formerly Invitae), Labcorp
Classification: Uncertain significance for Breast-ovarian cancer, familial, susceptibility to, 4. Last evaluated: 2021-05-21. Review status: criteria provided, single submitter. Criteria: Invitae Variant Classification Sherloc (09022015). Collection method: clinical testing. Allele origin: germline.
Comment: In summary, the available evidence is currently insufficient to determine the role of this variant in disease. Therefore, it has been classified as a Variant of Uncertain Significance. Algorithms developed to predict the effect of missense changes on protein structure and function are either unavailable or do not agree on the potential impact of this missense change (SIFT: "Deleterious"; PolyPhen-2: "Benign"; Align-GVGD: "Class C15"). This variant has not been reported in the literature in individuals with RAD51D-related conditions. This variant is not present in population databases (ExAC no frequency). This sequence change replaces serine with cysteine at codon 78 of the RAD51D protein (p.Ser78Cys). The serine residue is moderately conserved and there is a moderate physicochemical difference between serine and cysteine.